The following is an entry in ClinVar:

NM_000465.4(BARD1):c.1903+1del

Gene: BARD1 (BRCA1 associated RING domain 1; minus strand). Cytogenetic location: 2q35.
Variant type: Deletion.
Coding change: c.1903+1del on transcript NM_000465.4 (MANE Select); the canonical splice donor site of the intron after coding-DNA position 1903, one base deleted (G; older notation c.1903+1delG).
Molecular consequence: splice donor variant. On other transcripts: intron variant (1).
Genome position (GRCh38, 1-based): chr2:214,745,066, C deleted on the plus strand (G on the coding strand, the reverse complement: BARD1 is on the minus strand). VCF-style (leftmost placement, unchanged base first): chr2-214745065-AC-A. GRCh37 (hg19) VCF-style: chr2-215609789-AC-A.
Other names: c.493+1del (NM_001282548.2); c.1846+1del (NM_001282543.2); c.550+1del (NM_001282545.2); c.365-14558del (NM_001282549.2).
Identifiers: ClinVar variation 1801601 (VCV001801601.3), dbSNP rs2469337523, ClinGen allele CA2580065588.

ClinVar aggregate classification (germline): Likely pathogenic. Review status: criteria provided, single submitter (1 of 4 stars). 2 submissions from 2 submitters: Likely pathogenic (1). 1 of the submissions does not count toward it. Last evaluated 2023-05-24.

Conditions:
Familial cancer of breast. Also called: Hereditary breast cancer; hereditary breast carcinoma; BREAST CANCER, FAMILIAL. Identifiers: Orphanet 227535, MedGen C0346153, MONDO:0016419, OMIM 114480. Disease mechanism: loss of function.
Gastric cancer. Also called: Malignant tumor of stomach; Stomach cancer. Identifiers: MedGen C0024623, MeSH D013274, MONDO:0001056, OMIM 613659, HP:0012126.

Submissions (2):

Myriad Genetics, Inc.
Classification: Likely pathogenic for Familial cancer of breast. Last evaluated: 2023-05-24. Review status: criteria provided, single submitter. Criteria: Myriad Autosomal Dominant, Autosomal Recessive and X-Linked Classification Criteria (2023). Collection method: clinical testing. Allele origin: unknown.
Comment: This variant is considered likely pathogenic. This variant occurs within a consensus splice junction and is predicted to result in abnormal mRNA splicing of either an out-of-frame exon or an in-frame exon necessary for protein stability and/or normal function.

Laboratory for Genotyping Development, RIKEN
Classification: Pathogenic for Gastric cancer. Last evaluated: 2021-07-01. Review status: no assertion criteria provided. Collection method: research. Allele origin: germline. Not counted in ClinVar's aggregate classification.

Literature cited by the submitters: PubMed 36988593 (cited by Laboratory for Genotyping Development, RIKEN).